The following is an entry in ClinVar:

NM_001291303.3(FAT4):c.11945T>G (p.Phe3982Cys)

Gene: FAT4 (FAT atypical cadherin 4; plus strand). Cytogenetic location: 4q28.1.
Variant type: single nucleotide variant.
Coding change: c.11945T>G on transcript NM_001291303.3 (MANE Select); coding-DNA position 11945, T replaced by G.
Protein change: p.Phe3982Cys; replaces phenylalanine 3982 with cysteine.
Molecular consequence: missense variant.
Genome position (GRCh38, 1-based): chr4:125,468,551, T>G. VCF-style: chr4-125468551-T-G. GRCh37 (hg19) VCF-style: chr4-126389706-T-G.
Other names: c.11945T>G, p.Phe3982Cys (NM_001291285.3); c.11939T>G, p.Phe3980Cys (NM_024582.6); c.11939T>G (NM_024582.4); short protein forms F3980C, F3982C.
Identifiers: ClinVar variation 2144443 (VCV002144443.5), dbSNP rs374280237, ClinGen allele CA3073979.

ClinVar aggregate classification (germline): Uncertain significance. Review status: criteria provided, multiple submitters, no conflicts (2 of 4 stars). 2 submissions from 2 submitters: Uncertain significance (2). Last evaluated 2025-07-14.

Conditions:
Inborn genetic diseases. Identifiers: MedGen C0950123, MeSH D030342.

Allele frequency attached by ClinVar (database versions not stated): ExAC 0.00002; gnomAD 0.00003; ESP Exome Variant Server 0.00008; gnomAD exomes 0.00010.
gnomAD v4.1: 154 of 1,612,974 alleles (0.0095%); highest among the groups gnomAD compares: Non-Finnish European, 0.013%; no homozygotes.

Submissions (3):

Ambry Genetics
Classification: Uncertain significance for Inborn genetic diseases. Last evaluated: 2025-07-14. Review status: criteria provided, single submitter. Criteria: Ambry Variant Classification Scheme 2023. Collection method: clinical testing. Allele origin: germline.

Labcorp Genetics (formerly Invitae), Labcorp
Classification: Uncertain significance. Last evaluated: 2022-10-17. Review status: criteria provided, single submitter. Criteria: Invitae Variant Classification Sherloc (09022015). Collection method: clinical testing. Allele origin: germline.
Comment: This sequence change replaces phenylalanine, which is neutral and non-polar, with cysteine, which is neutral and slightly polar, at codon 3980 of the FAT4 protein (p.Phe3980Cys). This variant is present in population databases (rs374280237, gnomAD 0.009%). This variant has not been reported in the literature in individuals affected with FAT4-related conditions. Algorithms developed to predict the effect of missense changes on protein structure and function are either unavailable or do not agree on the potential impact of this missense change (SIFT: "Deleterious"; PolyPhen-2: "Benign"; Align-GVGD: "Class C65"). In summary, the available evidence is currently insufficient to determine the role of this variant in disease. Therefore, it has been classified as a Variant of Uncertain Significance.

Dr. Peter K. Rogan Lab, Western University
No classification provided (evidence only). Condition: Familial cancer of breast. Review status: no classification provided. Collection method: in vitro. Allele origin: not applicable. Functional consequence: retained intron. Not counted in ClinVar's aggregate classification.